The following is an entry in ClinVar:

ClinVar aggregate classification (germline): Uncertain significance (1 of 4 stars; one submission).

Conditions:
Cystic fibrosis (CF). Also called: MUCOVISCIDOSIS. Identifiers: Orphanet 586, MedGen C0010674, MONDO:0009061, OMIM 219700. Disease mechanism: loss of function.

Submission:

Ambry Genetics
Classification: Uncertain significance for Cystic fibrosis. Last evaluated: 2022-02-04. Review status: criteria provided, single submitter. Criteria: Ambry Variant Classification Scheme 2023. Collection method: clinical testing. Allele origin: germline.
Comment: The p.A969G variant (also known as c.2906C>G), located in coding exon 17 of the CFTR gene, results from a C to G substitution at nucleotide position 2906. The alanine at codon 969 is replaced by glycine, an amino acid with similar properties. This amino acid position is conserved. In addition, the in silico prediction for this alteration is inconclusive. Since supporting evidence is limited at this time, the clinical significance of this alteration remains unclear.

NM_000492.4(CFTR):c.2906C>G (p.Ala969Gly)

Gene: CFTR (CF transmembrane conductance regulator; plus strand). Cytogenetic location: 7q31.2.
Variant type: single nucleotide variant.
Coding change: c.2906C>G on transcript NM_000492.4 (MANE Select); coding-DNA position 2906, C replaced by G.
Protein change: p.Ala969Gly; replaces alanine 969 with glycine.
Molecular consequence: missense variant.
Genome position (GRCh38, 1-based): chr7:117,603,780, C>G. VCF-style: chr7-117603780-C-G. GRCh37 (hg19) VCF-style: chr7-117243834-C-G.
Other names: short protein forms A969G.
Identifiers: ClinVar variation 1797513 (VCV001797513.2), dbSNP rs936934088, ClinGen allele CA368987663.